The following is an entry in ClinVar:

ClinVar aggregate classification (germline): Uncertain significance (1 of 4 stars; one submission).

Conditions:
Adams-Oliver syndrome 5 (AOS5). Identifiers: Orphanet 974, MedGen C4014970, MONDO:0014459, OMIM 616028.

Allele frequency attached by ClinVar (database versions not stated): TOPMed below 0.00001.

Submission:

Labcorp Genetics (formerly Invitae), Labcorp
Classification: Uncertain significance for Adams-Oliver syndrome 5. Last evaluated: 2023-07-10. Review status: criteria provided, single submitter. Criteria: Invitae Variant Classification Sherloc (09022015). Collection method: clinical testing. Allele origin: germline.
Comment: In summary, the available evidence is currently insufficient to determine the role of this variant in disease. Therefore, it has been classified as a Variant of Uncertain Significance. Advanced modeling of protein sequence and biophysical properties (such as structural, functional, and spatial information, amino acid conservation, physicochemical variation, residue mobility, and thermodynamic stability) performed at Invitae indicates that this missense variant is not expected to disrupt NOTCH1 protein function. ClinVar contains an entry for this variant (Variation ID: 2162334). This variant has not been reported in the literature in individuals affected with NOTCH1-related conditions. This variant is not present in population databases (gnomAD no frequency). This sequence change replaces asparagine, which is neutral and polar, with serine, which is neutral and polar, at codon 685 of the NOTCH1 protein (p.Asn685Ser).

NM_017617.5(NOTCH1):c.2054A>G (p.Asn685Ser)

Gene: NOTCH1 (notch receptor 1; minus strand). Cytogenetic location: 9q34.3.
Variant type: single nucleotide variant.
Coding change: c.2054A>G on transcript NM_017617.5 (MANE Select); coding-DNA position 2054, A replaced by G.
Protein change: p.Asn685Ser; replaces asparagine 685 with serine.
Molecular consequence: missense variant.
Genome position (GRCh38, 1-based): chr9:136,514,663, T>C on the plus strand (A>G on the coding strand, the complement: NOTCH1 is on the minus strand). VCF-style: chr9-136514663-T-C. GRCh37 (hg19) VCF-style: chr9-139409115-T-C.
Other names: short protein forms N685S.
Identifiers: ClinVar variation 2162334 (VCV002162334.4), dbSNP rs781473342, ClinGen allele CA375558839.
Genomic context (GRCh38, chr9:136,514,663, plus strand): 5'-GGGCAGCGGCAGGTGAAGCCATTGATGCCGTCCTCGCAGGTGCCCCCGTTGTGGCAGGGG[T>C]TGCCCGCACACTCATCGATGTTGATGTTACACATGCTCCCTAAGGGCAGGGCGGGTCAGA-3'
Protein context (NP_060087.3, residues 675-695): CNINIDECAG[Asn685Ser]PCHNGGTCED